The following is an entry in ClinVar:

NM_003900.5(SQSTM1):c.1240A>T (p.Thr414Ser)

Gene: SQSTM1 (sequestosome 1; plus strand). Cytogenetic location: 5q35.3.
Variant type: single nucleotide variant.
Coding change: c.1240A>T on transcript NM_003900.5 (MANE Select); coding-DNA position 1240, A replaced by T.
Protein change: p.Thr414Ser; replaces threonine 414 with serine.
Molecular consequence: missense variant.
Genome position (GRCh38, 1-based): chr5:179,836,510, A>T. VCF-style: chr5-179836510-A-T. GRCh37 (hg19) VCF-style: chr5-179263510-A-T.
Other names: c.988A>T, p.Thr330Ser (NM_001142298.2, NM_001142299.2); short protein forms T330S, T414S.
Identifiers: ClinVar variation 2927369 (VCV002927369.3), dbSNP rs1425495867, ClinGen allele CA362453974.

ClinVar aggregate classification (germline): Uncertain significance (1 of 4 stars; one submission).

Conditions:
Frontotemporal dementia and/or amyotrophic lateral sclerosis 1 (FTDALS1). Also called: C9orf72 Frontotemporal Dementia and/or Amyotrophic Lateral Sclerosis; Frontotemporal dementia with motor neuron disease 1. Identifiers: Orphanet 275872, MedGen C5779877, MONDO:0007105, OMIM 105550.
Paget disease of bone 2, early-onset (PDB2). Also called: Paget disease of bone 2. Identifiers: MedGen C4085251, MONDO:0011183, OMIM 602080.

Submission:

Labcorp Genetics (formerly Invitae), Labcorp
Classification: Uncertain significance for Paget disease of bone 2, early-onset; Frontotemporal dementia and/or amyotrophic lateral sclerosis 1. Last evaluated: 2023-12-26. Review status: criteria provided, single submitter. Criteria: Invitae Variant Classification Sherloc (09022015). Collection method: clinical testing. Allele origin: germline.
Comment: This sequence change replaces threonine, which is neutral and polar, with serine, which is neutral and polar, at codon 414 of the SQSTM1 protein (p.Thr414Ser). This variant is not present in population databases (gnomAD no frequency). This variant has not been reported in the literature in individuals affected with SQSTM1-related conditions. Advanced modeling of protein sequence and biophysical properties (such as structural, functional, and spatial information, amino acid conservation, physicochemical variation, residue mobility, and thermodynamic stability) performed at Invitae indicates that this missense variant is not expected to disrupt SQSTM1 protein function with a negative predictive value of 80%. In summary, the available evidence is currently insufficient to determine the role of this variant in disease. Therefore, it has been classified as a Variant of Uncertain Significance.